The following is an entry in ClinVar:

ClinVar aggregate classification (germline): Benign. Review status: criteria provided, multiple submitters, no conflicts (2 of 4 stars). 5 submissions from 5 submitters: Benign (5). Last evaluated 2026-02-04.

Conditions:
Microcephalic osteodysplastic primordial dwarfism type II (MOPD2). Also called: Microcephalic osteodysplastic primordial dwarfism with tooth abnormalities; OSTEODYSPLASTIC PRIMORDIAL DWARFISM, TYPE II; MOPD II. Identifiers: Orphanet 2637, MedGen C0432246, MONDO:0008872, OMIM 210720.

Allele frequency attached by ClinVar (database versions not stated): gnomAD exomes 0.09574; ExAC 0.10344; gnomAD 0.17759 and 0.18595; 1000 Genomes Project 0.17831; 1000 Genomes Project 30x 0.18535; TOPMed 0.18661; ESP Exome Variant Server 0.19676.
gnomAD v4.1: 146,192 of 1,613,722 alleles (9.1%); highest among the groups gnomAD compares: African/African-American, 44%; 12,050 homozygotes.

Submissions (5):

Labcorp Genetics (formerly Invitae), Labcorp
Classification: Benign. Last evaluated: 2026-02-04. Review status: criteria provided, single submitter. Criteria: Invitae Variant Classification Sherloc (09022015). Collection method: clinical testing. Allele origin: germline.

Illumina Laboratory Services, Illumina
Classification: Benign for Microcephalic osteodysplastic primordial dwarfism type II. Last evaluated: 2018-01-13. Review status: criteria provided, single submitter. Criteria: ICSL Variant Classification Criteria 13 December 2019. Collection method: clinical testing. Allele origin: germline.
Comment: This variant was observed in the ICSL laboratory as part of a predisposition screen in an ostensibly healthy population. It had not been previously curated by ICSL or reported in the Human Gene Mutation Database (HGMD: prior to June 1st, 2018), and was therefore a candidate for classification through an automated scoring system. Utilizing variant allele frequency, disease prevalence and penetrance estimates, and inheritance mode, an automated score was calculated to assess if this variant is too frequent to cause the disease. Based on the score and internal cut-off values, a variant classified as benign is not then subjected to further curation. The score for this variant resulted in a classification of benign for this disease.

GeneDx
Classification: Benign. Last evaluated: 2014-02-26. Review status: criteria provided, single submitter. Criteria: GeneDx Variant Classification (06012015). Collection method: clinical testing. Allele origin: germline. Affected: yes.
Comment: This variant is considered likely benign or benign based on one or more of the following criteria: it is a conservative change, it occurs at a poorly conserved position in the protein, it is predicted to be benign by multiple in silico algorithms, and/or has population frequency not consistent with disease.

Genetic Services Laboratory, University of Chicago
Classification: Benign. Last evaluated: 2013-02-08. Review status: criteria provided, single submitter. Criteria: ACMG Guidelines, 2007. Collection method: clinical testing. Allele origin: germline. Inheritance: Autosomal recessive inheritance.

Breakthrough Genomics
Classification: Benign. Review status: criteria provided, single submitter. Criteria: ACMG Guidelines, 2015. Collection method: not provided. Allele origin: germline. Inheritance: Autosomal recessive inheritance. Affected: yes.

NM_006031.6(PCNT):c.6374A>C (p.His2125Pro)

Gene: PCNT (pericentrin; plus strand). Cytogenetic location: 21q22.3.
Variant type: single nucleotide variant.
Coding change: c.6374A>C on transcript NM_006031.6 (MANE Select); coding-DNA position 6374, A replaced by C.
Protein change: p.His2125Pro; replaces histidine 2125 with proline.
Molecular consequence: missense variant.
Genome position (GRCh38, 1-based): chr21:46,416,292, A>C. VCF-style: chr21-46416292-A-C. GRCh37 (hg19) VCF-style: chr21-47836206-A-C.
Other names: p.H2125P:CAC>CCC; c.6020A>C, p.His2007Pro (NM_001315529.2); short protein forms H2125P, H2007P.
Identifiers: ClinVar variation 138622 (VCV000138622.17), dbSNP rs35978208, ClinGen allele CA173043.